The following is an entry in ClinVar:

ClinVar aggregate classification (germline): Uncertain significance (1 of 4 stars; one submission).

Conditions:
2-aminoadipic 2-oxoadipic aciduria (AAKAD). Also called: Aminoadipic aciduria; ALPHA-AMINOADIPIC AND ALPHA-KETOADIPIC ACIDURIA. Identifiers: Orphanet 79154, MedGen C1859817, MONDO:0008774, OMIM 204750.

Submission:

Labcorp Genetics (formerly Invitae), Labcorp
Classification: Uncertain significance for 2-aminoadipic 2-oxoadipic aciduria. Last evaluated: 2023-01-23. Review status: criteria provided, single submitter. Criteria: Invitae Variant Classification Sherloc (09022015). Collection method: clinical testing. Allele origin: germline.
Comment: In summary, the available evidence is currently insufficient to determine the role of this variant in disease. Therefore, it has been classified as a Variant of Uncertain Significance. Experimental studies and prediction algorithms are not available or were not evaluated, and the functional significance of this variant is currently unknown. This variant has not been reported in the literature in individuals affected with DHTKD1-related conditions. This variant is a gross deletion of the genomic region encompassing exon(s) 2 of the DHTKD1 gene. This variant would be expected to be in-frame, preserving the integrity of the reading frame.

NC_000010.10:g.(?_12123451)_(12123646_?)del

Gene: DHTKD1 (dehydrogenase E1 and transketolase domain containing 1; plus strand). Cytogenetic location: 10p14.
Variant type: Deletion.
Identifiers: ClinVar variation 2426488 (VCV002426488.3).